The following is an entry in ClinVar:

ClinVar aggregate classification (germline): Pathogenic (1 of 4 stars; one submission).

Conditions:
Pitt-Hopkins syndrome (PTHS). Also called: MENTAL RETARDATION, SYNDROMAL, WITH INTERMITTENT HYPERVENTILATION; ENCEPHALOPATHY, SEVERE EPILEPTIC, WITH AUTONOMIC DYSFUNCTION. Identifiers: Orphanet 2896, MedGen C1970431, MONDO:0012589, OMIM 610954.

Submission:

Dubai Health Genomic Medicine Center, Dubai Health
Classification: Pathogenic for Pitt-Hopkins syndrome. Last evaluated: 2024-10-04. Review status: criteria provided, single submitter. Criteria: ACMG Guidelines, 2015. Collection method: research. Allele origin: germline. Affected: yes.
Comment: PVS1,PM2,PP4

NM_001083962.2(TCF4):c.1273del (p.Ser425fs)

Gene: TCF4 (transcription factor 4; minus strand). Cytogenetic location: 18q21.2.
Variant type: Deletion.
Coding change: c.1273del on transcript NM_001083962.2 (MANE Select); coding-DNA position 1273, one base deleted (T; older notation c.1273delT).
Protein change: p.Ser425fs; shifts the reading frame from serine 425.
Molecular consequence: frameshift variant.
Genome position (GRCh38, 1-based): chr18:55,254,574, A deleted on the plus strand (T on the coding strand, the reverse complement: TCF4 is on the minus strand); the first of 2 consecutive A bases (chr18:55,254,574-55,254,575); deleting either gives the same sequence. VCF-style (leftmost placement, unchanged base first): chr18-55254573-GA-G. GRCh37 (hg19) VCF-style: chr18-52921804-GA-G.
Other names: c.1579del, p.Ser527fs (NM_001243226.3); c.1201del, p.Ser401fs (NM_001243227.2, NM_001306207.1, NM_001348217.1 and 5 more transcripts); c.1291del, p.Ser431fs (NM_001243228.2); c.1264del, p.Ser422fs (NM_001243230.2); c.1147del, p.Ser383fs (NM_001243231.2, NM_001348211.2); c.1060del, p.Ser354fs (NM_001243232.1, NM_001306208.1); c.883del, p.Ser295fs (NM_001243233.2, NM_001330605.3, NM_001348212.2 and 1 more transcripts); c.793del, p.Ser265fs (NM_001243234.2, NM_001243235.2, NM_001243236.2 and 1 more transcripts); and 6 more; short protein forms S209fs, S264fs, S265fs, S295fs, S354fs, S383fs, S400fs, S401fs.
Identifiers: ClinVar variation 3384031 (VCV003384031.1).